The following is an entry in ClinVar:

NM_006662.3(SRCAP):c.9362G>A (p.Arg3121Gln)

Gene: SRCAP (Snf2 related CREBBP activator protein; plus strand). Cytogenetic location: 16p11.2.
Variant type: single nucleotide variant.
Coding change: c.9362G>A on transcript NM_006662.3 (MANE Select); coding-DNA position 9362, G replaced by A.
Protein change: p.Arg3121Gln; replaces arginine 3121 with glutamine.
Molecular consequence: missense variant.
Genome position (GRCh38, 1-based): chr16:30,739,402, G>A. VCF-style: chr16-30739402-G-A. GRCh37 (hg19) VCF-style: chr16-30750723-G-A.
Other names: short protein forms R3121Q.
Identifiers: ClinVar variation 1948224 (VCV001948224.6), dbSNP rs758202049, ClinGen allele CA8012902.

ClinVar aggregate classification (germline): Uncertain significance. Review status: criteria provided, multiple submitters, no conflicts (2 of 4 stars). 2 submissions from 2 submitters: Uncertain significance (2). Last evaluated 2024-01-30.

Conditions:
Developmental delay, hypotonia, musculoskeletal defects, and behavioral abnormalities. Identifiers: MedGen C5562012, MONDO:0859202, OMIM 619595.
Floating-Harbor syndrome (FLHS). Also called: SRCAP-Related Floating-Harbor Syndrome; Short stature with delayed bone age, expressive language delay, a triangular face with a prominent nose and deep-set eyes; Pelletier-Leisti syndrome. Identifiers: Orphanet 2044, MedGen C0729582, MONDO:0007621, OMIM 136140.

Allele frequency attached by ClinVar (database versions not stated): ExAC 0.00001; gnomAD 0.00001; gnomAD exomes 0.00001.

Submissions (2):

Fulgent Genetics
Classification: Uncertain significance for Floating-Harbor syndrome; Developmental delay, hypotonia, musculoskeletal defects, and behavioral abnormalities. Last evaluated: 2024-01-30. Review status: criteria provided, single submitter. Criteria: ACMG Guidelines, 2015. Collection method: clinical testing. Allele origin: germline.

Labcorp Genetics (formerly Invitae), Labcorp
Classification: Uncertain significance. Last evaluated: 2023-10-19. Review status: criteria provided, single submitter. Criteria: Invitae Variant Classification Sherloc (09022015). Collection method: clinical testing. Allele origin: germline.
Comment: This sequence change replaces arginine, which is basic and polar, with glutamine, which is neutral and polar, at codon 3121 of the SRCAP protein (p.Arg3121Gln). This variant is present in population databases (rs758202049, gnomAD 0.003%). This variant has not been reported in the literature in individuals affected with SRCAP-related conditions. ClinVar contains an entry for this variant (Variation ID: 1948224). Advanced modeling of protein sequence and biophysical properties (such as structural, functional, and spatial information, amino acid conservation, physicochemical variation, residue mobility, and thermodynamic stability) performed at Invitae indicates that this missense variant is not expected to disrupt SRCAP protein function. In summary, the available evidence is currently insufficient to determine the role of this variant in disease. Therefore, it has been classified as a Variant of Uncertain Significance.